The following is an entry in ClinVar:

ClinVar aggregate classification (germline): Uncertain significance (1 of 4 stars; one submission).

Conditions:
Hereditary breast ovarian cancer syndrome. Also called: Hereditary breast and ovarian cancer; BRCA1- and BRCA2-Associated Hereditary Breast and Ovarian Cancer; Hereditary breast and ovarian cancer syndrome; Breast and ovarian cancer; Hereditary breast and ovarian cancer syndrome (HBOC); Hereditary breast and/or ovarian cancer syndrome. Identifiers: Orphanet 145, MedGen C0677776, MeSH D061325, MONDO:0003582. Disease mechanism: loss of function.

Submission:

Labcorp Genetics (formerly Invitae), Labcorp
Classification: Uncertain significance for Hereditary breast ovarian cancer syndrome. Last evaluated: 2022-11-20. Review status: criteria provided, single submitter. Criteria: Invitae Variant Classification Sherloc (09022015). Collection method: clinical testing. Allele origin: germline.
Comment: In summary, the available evidence is currently insufficient to determine the role of this variant in disease. Therefore, it has been classified as a Variant of Uncertain Significance. Advanced modeling of protein sequence and biophysical properties (such as structural, functional, and spatial information, amino acid conservation, physicochemical variation, residue mobility, and thermodynamic stability) has been performed at Invitae for this missense variant, however the output from this modeling did not meet the statistical confidence thresholds required to predict the impact of this variant on BRCA1 protein function. This variant has not been reported in the literature in individuals affected with BRCA1-related conditions. This variant is not present in population databases (gnomAD no frequency). This sequence change replaces aspartic acid, which is acidic and polar, with glutamic acid, which is acidic and polar, at codon 516 of the BRCA1 protein (p.Asp516Glu).

NM_007294.4(BRCA1):c.1548T>G (p.Asp516Glu)

Gene: BRCA1 (BRCA1 DNA repair associated; minus strand). Cytogenetic location: 17q21.31.
Variant type: single nucleotide variant.
Coding change: c.1548T>G on transcript NM_007294.4 (MANE Select); coding-DNA position 1548, T replaced by G.
Protein change: p.Asp516Glu; replaces aspartic acid 516 with glutamic acid.
Molecular consequence: missense variant. On other transcripts: intron variant (137).
Genome position (GRCh38, 1-based): chr17:43,093,983, A>C on the plus strand (T>G on the coding strand, the complement: BRCA1 is on the minus strand). VCF-style: chr17-43093983-A-C. GRCh37 (hg19) VCF-style: chr17-41246000-A-C.
Other names: c.643+761T>G (NM_001408462.1, NM_001408468.1, NM_001408465.1 and 3 more transcripts); c.1344T>G, p.Asp448Glu (NM_001407874.1, NM_001407875.1); c.709+761T>G (NM_001408414.1, NM_001408411.1, NM_001408409.1 and 2 more transcripts); c.1338T>G, p.Asp446Glu (NM_001407879.1, NM_001407881.1, NM_001407882.1 and 13 more transcripts); c.577+761T>G (NM_001408514.1, NM_001408485.1, NM_001408481.1 and 9 more transcripts); c.661+761T>G (NM_001408433.1, NM_001408447.1, NM_001408446.1 and 6 more transcripts); c.784+761T>G (NM_001408400.1, NM_001408392.1, NM_001407986.1 and 13 more transcripts); c.1335T>G, p.Asp445Glu (NM_001407571.1, NM_001407853.1, NM_001407894.1 and 9 more transcripts); and 40 more; short protein forms D220E, D388E, D389E, D448E, D449E, D474E, D490E, D428E.
Identifiers: ClinVar variation 2815522 (VCV002815522.3), dbSNP rs2154438119, ClinGen allele CA10598953.